The following is an entry in ClinVar:

ClinVar aggregate classification (germline): Pathogenic/Likely pathogenic. Review status: criteria provided, multiple submitters, no conflicts (2 of 4 stars). 5 submissions from 5 submitters: Pathogenic (2); Likely pathogenic (2). 1 of the submissions does not count toward it. Last evaluated 2025-08-15.

Conditions:
Peroxisome biogenesis disorder. Identifiers: Orphanet 79189, MedGen C1832200, MONDO:0019234. Disease mechanism: loss of function.
Peroxisome biogenesis disorder type 3B. Identifiers: Orphanet 44, Orphanet 772, MedGen C3550693, MONDO:0009959, OMIM 266510.
Peroxisome biogenesis disorder 3A (Zellweger). Also called: PEROXISOMAL BIOGENESIS DISORDER 3A (ZELLWEGER); Peroxisome biogenesis disorder 3A. Identifiers: Orphanet 912, MedGen C3553929, MONDO:0013927, OMIM 614859.

Submissions (5):

Labcorp Genetics (formerly Invitae), Labcorp
Classification: Pathogenic for Peroxisome biogenesis disorder 3A (Zellweger). Last evaluated: 2025-08-15. Review status: criteria provided, single submitter. Criteria: Invitae Variant Classification Sherloc (09022015). Collection method: clinical testing. Allele origin: germline.
Comment: This variant, c.533_535del, results in the deletion of 1 amino acid(s) of the PEX12 protein (p.Gln178del), but otherwise preserves the integrity of the reading frame. This variant is present in population databases (rs61752102, gnomAD 0.02%). This variant has been observed in individual(s) with clinical features of peroxisomal biogenesis disorders (PMID: 15542397, 20681997, 21031596). For these reasons, this variant has been classified as Pathogenic.

Baylor Genetics
Classification: Likely pathogenic for Peroxisome biogenesis disorder 3A (Zellweger). Last evaluated: 2024-03-29. Review status: criteria provided, single submitter. Criteria: ACMG Guidelines, 2015. Collection method: clinical testing. Allele origin: unknown.

Women's Health and Genetics/Laboratory Corporation of America, LabCorp
Classification: Pathogenic for Peroxisome biogenesis disorder. Last evaluated: 2023-10-11. Review status: criteria provided, single submitter. Criteria: LabCorp Variant Classification Summary - May 2015. Collection method: clinical testing. Allele origin: germline.
Comment: Variant summary: PEX12 c.533_535delAAC (p.Gln178del) results in an in-frame deletion that is predicted to remove 1 amino acids from the encoded protein. The variant allele was found at a frequency of 1.6e-05 in 251488 control chromosomes. c.533_535delAAC has been reported in the literature in multiple individuals affected with Zellweger Syndrome (Alshenaifi_2019, Yik_2009, Steinberg_2004, Ebberink_2010). These data indicate that the variant is very likely to be associated with disease. To our knowledge, no experimental evidence demonstrating an impact on protein function has been reported. The following publications have been ascertained in the context of this evaluation (PMID: 30561787, 21031596, 15542397, 19105186). Two submitters have cited clinical-significance assessments for this variant to ClinVar after 2014. All submitters classified the variant as likely pathogenic. Based on the evidence outlined above, the variant was classified as pathogenic.

Genomic Research Center, Shahid Beheshti University of Medical Sciences
Classification: Likely pathogenic for Peroxisome biogenesis disorder 3A. Last evaluated: 2020-05-03. Review status: criteria provided, single submitter. Criteria: ACMG Guidelines, 2015. Collection method: clinical testing. Allele origin: unknown. Affected: yes.

Counsyl
Classification: Likely pathogenic for Peroxisome biogenesis disorder type 3B; Peroxisome biogenesis disorder 3A (Zellweger). Last evaluated: 2017-11-21. Review status: no assertion criteria provided. Collection method: clinical testing. Allele origin: unknown. Not counted in ClinVar's aggregate classification.

Literature cited by the submitters: PubMed 15542397 (cited by 3 submitters); PubMed 20681997 (cited by Labcorp Genetics (formerly Invitae), Labcorp and Counsyl); PubMed 21031596 (cited by 3 submitters); PubMed 19105186 (cited by Women's Health and Genetics/Laboratory Corporation of America, LabCorp); PubMed 30561787 (cited by Women's Health and Genetics/Laboratory Corporation of America, LabCorp).

NM_000286.3(PEX12):c.530AAC[1] (p.Gln178del)

Gene: PEX12 (peroxisomal biogenesis factor 12; minus strand). Cytogenetic location: 17q12.
Variant type: Microsatellite.
Coding change: c.530AAC[1] on transcript NM_000286.3 (MANE Select); one copy of the 3-base unit AAC starting at c.530; the reference has two copies in a row; one copy, 3 bases deleted; also written c.533_535del.
Protein change: p.Gln178del; deletes glutamine 178.
Molecular consequence: inframe deletion.
Genome position (GRCh38, 1-based): chr17:35,577,183-35,577,185, GTT deleted on the plus strand (AAC on the coding strand, the reverse complement: PEX12 is on the minus strand); deleting any 3 consecutive bases within chr17:35,577,183-35,577,190 gives the same sequence; the position shown is the placement nearest the transcript's 3' end. VCF-style (leftmost placement, unchanged base first): chr17-35577182-AGTT-A. GRCh37 (hg19) VCF-style: chr17-33904201-AGTT-A.
Other names: c.530_532del (NM_000286.3); c.533_535delAAC (NM_000286.3); c.533_535del (NM_000286.3); short protein forms Q178del.
Identifiers: ClinVar variation 437449 (VCV000437449.9), dbSNP rs61752102, ClinGen allele CA8504896.